The following is an entry in ClinVar:

NM_015459.5(ATL3):c.70C>T (p.Pro24Ser)

Gene: ATL3 (atlastin GTPase 3; minus strand). Cytogenetic location: 11q13.1.
Variant type: single nucleotide variant.
Coding change: c.70C>T on transcript NM_015459.5 (MANE Select); coding-DNA position 70, C replaced by T.
Protein change: p.Pro24Ser; replaces proline 24 with serine.
Molecular consequence: missense variant.
Genome position (GRCh38, 1-based): chr11:63,659,229, G>A on the plus strand (C>T on the coding strand, the complement: ATL3 is on the minus strand). VCF-style: chr11-63659229-G-A. GRCh37 (hg19) VCF-style: chr11-63426701-G-A.
Other names: c.16C>T, p.Pro6Ser (NM_001290048.2); short protein forms P24S, P6S.
Identifiers: ClinVar variation 2050033 (VCV002050033.4), dbSNP rs1002596352, ClinGen allele CA381031348.
Genomic context (GRCh38, chr11:63,659,229, plus strand): 5'-TCTCATCTAGCTCAAAGGAATGTTGATCTTTCTGAACCAAAACAACCTGCACTGGACCAG[G>A]CTTGCTGCTCTCCATGGCATCATCTATGTTCATGCAGAGAAAAAAAATCAGTGTCAAATA-3'
Protein context (NP_056274.3, residues 14-34): GADDAMESSK[Pro24Ser]GPVQVVLVQK

ClinVar aggregate classification (germline): Uncertain significance (1 of 4 stars; one submission).

Conditions:
Neuropathy, hereditary sensory, type 1F. Also called: HSN IF; Hereditary sensory neuropathy type IF. Identifiers: Orphanet 36386, MedGen C3810194, MONDO:0014286, OMIM 615632.

gnomAD v4.1: 2 of 1,614,044 alleles (0.00012%); highest among the groups gnomAD compares: Non-Finnish European, 0.000085%; no homozygotes.

Submission:

Labcorp Genetics (formerly Invitae), Labcorp
Classification: Uncertain significance for Neuropathy, hereditary sensory, type 1F. Last evaluated: 2022-10-10. Review status: criteria provided, single submitter. Criteria: Invitae Variant Classification Sherloc (09022015). Collection method: clinical testing. Allele origin: germline.
Comment: In summary, the available evidence is currently insufficient to determine the role of this variant in disease. Therefore, it has been classified as a Variant of Uncertain Significance. Advanced modeling of protein sequence and biophysical properties (such as structural, functional, and spatial information, amino acid conservation, physicochemical variation, residue mobility, and thermodynamic stability) performed at Invitae indicates that this missense variant is not expected to disrupt ATL3 protein function. This variant has not been reported in the literature in individuals affected with ATL3-related conditions. This variant is not present in population databases (gnomAD no frequency). This sequence change replaces proline, which is neutral and non-polar, with serine, which is neutral and polar, at codon 24 of the ATL3 protein (p.Pro24Ser).